The following is an entry in ClinVar:

ClinVar aggregate classification (germline): Uncertain significance (1 of 4 stars; one submission).

Conditions:
Hypertrophic cardiomyopathy 12. Identifiers: MedGen C2677491, MONDO:0012804, OMIM 612124.
Dilated cardiomyopathy 1M (CMD1M). Identifiers: Orphanet 154, MedGen C1843808, MONDO:0011840, OMIM 607482.

Submission:

Labcorp Genetics (formerly Invitae), Labcorp
Classification: Uncertain significance for Hypertrophic cardiomyopathy 12; Dilated cardiomyopathy 1M. Last evaluated: 2024-08-21. Review status: criteria provided, single submitter. Criteria: Invitae Variant Classification Sherloc (09022015). Collection method: clinical testing. Allele origin: germline.
Comment: This sequence change replaces serine, which is neutral and polar, with threonine, which is neutral and polar, at codon 101 of the CSRP3 protein (p.Ser101Thr). This variant is not present in population databases (gnomAD no frequency). This variant has not been reported in the literature in individuals affected with CSRP3-related conditions. ClinVar contains an entry for this variant (Variation ID: 1721336). An algorithm developed to predict the effect of missense changes on protein structure and function (PolyPhen-2) suggests that this variant is likely to be tolerated. In summary, the available evidence is currently insufficient to determine the role of this variant in disease. Therefore, it has been classified as a Variant of Uncertain Significance.

NM_003476.5(CSRP3):c.301T>A (p.Ser101Thr)

Gene: CSRP3 (cysteine and glycine rich protein 3; minus strand). Cytogenetic location: 11p15.1.
Variant type: single nucleotide variant.
Coding change: c.301T>A on transcript NM_003476.5 (MANE Select); coding-DNA position 301, T replaced by A.
Protein change: p.Ser101Thr; replaces serine 101 with threonine.
Molecular consequence: missense variant. On other transcripts: synonymous variant (1).
Genome position (GRCh38, 1-based): chr11:19,186,329, A>T on the plus strand (T>A on the coding strand, the complement: CSRP3 is on the minus strand). VCF-style: chr11-19186329-A-T. GRCh37 (hg19) VCF-style: chr11-19207876-A-T.
Other names: c.301T>A, p.Ser101Thr (NM_001127656.1); c.132T>A, p.Ala44= (NM_001369404.1); short protein forms S101T.
Identifiers: ClinVar variation 1721336 (VCV001721336.6), dbSNP rs2494220490, ClinGen allele CA379888063.